The following is an entry in ClinVar:

NM_000294.3(PHKG2):c.227G>A (p.Arg76Gln)

Gene: PHKG2 (phosphorylase kinase catalytic subunit gamma 2; plus strand). Cytogenetic location: 16p11.2.
Variant type: single nucleotide variant.
Coding change: c.227G>A on transcript NM_000294.3 (MANE Select); coding-DNA position 227, G replaced by A.
Protein change: p.Arg76Gln; replaces arginine 76 with glutamine.
Molecular consequence: missense variant.
Genome position (GRCh38, 1-based): chr16:30,751,237, G>A. VCF-style: chr16-30751237-G-A. GRCh37 (hg19) VCF-style: chr16-30762558-G-A.
Other names: c.227G>A, p.Arg76Gln (NM_001172432.2); short protein forms R76Q.
Identifiers: ClinVar variation 647411 (VCV000647411.11), dbSNP rs138299462, ClinGen allele CA8013058.

ClinVar aggregate classification (germline): Uncertain significance. Review status: criteria provided, multiple submitters, no conflicts (2 of 4 stars). 4 submissions from 4 submitters: Uncertain significance (4). Last evaluated 2025-02-22.

Conditions:
Glycogen storage disease IXc (GSD9C). Also called: GSD IXc. Identifiers: Orphanet 264580, MedGen C2751643, MONDO:0013091, OMIM 613027.
Inborn genetic diseases. Identifiers: MedGen C0950123, MeSH D030342.

Allele frequency attached by ClinVar (database versions not stated): gnomAD 0.00004 and 0.00005; TOPMed 0.00004; ExAC 0.00007; ESP Exome Variant Server 0.00008; gnomAD exomes 0.00011; 1000 Genomes Project 30x 0.00016; 1000 Genomes Project 0.00020.
gnomAD v4.1: 176 of 1,612,884 alleles (0.011%); highest among the groups gnomAD compares: Middle Eastern, 0.12%; no homozygotes.

Submissions (4):

Ambry Genetics
Classification: Uncertain significance for Inborn genetic diseases. Last evaluated: 2025-02-22. Review status: criteria provided, single submitter. Criteria: Ambry Variant Classification Scheme 2023. Collection method: clinical testing. Allele origin: germline.

Labcorp Genetics (formerly Invitae), Labcorp
Classification: Uncertain significance for Glycogen storage disease IXc. Last evaluated: 2025-01-23. Review status: criteria provided, single submitter. Criteria: Invitae Variant Classification Sherloc (09022015). Collection method: clinical testing. Allele origin: germline.
Comment: This sequence change replaces arginine, which is basic and polar, with glutamine, which is neutral and polar, at codon 76 of the PHKG2 protein (p.Arg76Gln). This variant is present in population databases (rs138299462, gnomAD 0.02%). This variant has not been reported in the literature in individuals affected with PHKG2-related conditions. ClinVar contains an entry for this variant (Variation ID: 647411). Invitae Evidence Modeling of protein sequence and biophysical properties (such as structural, functional, and spatial information, amino acid conservation, physicochemical variation, residue mobility, and thermodynamic stability) indicates that this missense variant is not expected to disrupt PHKG2 protein function with a negative predictive value of 80%. In summary, the available evidence is currently insufficient to determine the role of this variant in disease. Therefore, it has been classified as a Variant of Uncertain Significance.

Blueprint Genetics
Classification: Uncertain significance. Last evaluated: 2024-10-16. Review status: criteria provided, single submitter. Criteria: ACMG Guidelines, 2015. Collection method: clinical testing. Allele origin: germline.

Fulgent Genetics
Classification: Uncertain significance for Glycogen storage disease IXc. Last evaluated: 2021-11-08. Review status: criteria provided, single submitter. Criteria: ACMG Guidelines, 2015. Collection method: clinical testing. Allele origin: unknown.